The following is an entry in ClinVar:

NM_020778.5(ALPK3):c.4781G>C (p.Gly1594Ala)

Gene: ALPK3 (alpha kinase 3; plus strand). Cytogenetic location: 15q25.3.
Variant type: single nucleotide variant.
Coding change: c.4781G>C on transcript NM_020778.5 (MANE Select); coding-DNA position 4781, G replaced by C.
Protein change: p.Gly1594Ala; replaces glycine 1594 with alanine.
Molecular consequence: missense variant.
Genome position (GRCh38, 1-based): chr15:84,868,119, G>C. VCF-style: chr15-84868119-G-C. GRCh37 (hg19) VCF-style: chr15-85411350-G-C.
Other names: short protein forms G1594A.
Identifiers: ClinVar variation 4740595 (VCV004740595.1).

ClinVar aggregate classification (germline): Uncertain significance (1 of 4 stars; one submission).

Submission:

Labcorp Genetics (formerly Invitae), Labcorp
Classification: Uncertain significance. Last evaluated: 2026-01-11. Review status: criteria provided, single submitter. Criteria: Invitae Variant Classification Sherloc (09022015). Collection method: clinical testing. Allele origin: germline.
Comment: This sequence change replaces glycine, which is neutral and non-polar, with alanine, which is neutral and non-polar, at codon 1796 of the ALPK3 protein (p.Gly1796Ala). This variant is not present in population databases (gnomAD no frequency). This variant has not been reported in the literature in individuals affected with ALPK3-related conditions. Invitae Evidence Modeling of protein sequence and biophysical properties (such as structural, functional, and spatial information, amino acid conservation, physicochemical variation, residue mobility, and thermodynamic stability) indicates that this missense variant is expected to disrupt ALPK3 protein function with a positive predictive value of 80%. In summary, the available evidence is currently insufficient to determine the role of this variant in disease. Therefore, it has been classified as a Variant of Uncertain Significance.